The following is an entry in ClinVar:

ClinVar aggregate classification (germline): Uncertain significance (1 of 4 stars; one submission).

Conditions:
Hereditary sensory and autonomic neuropathy type 6. Also called: HSAN VI; Neuropathy, hereditary sensory and autonomic, type VI. Identifiers: Orphanet 314381, MedGen C3539003, MONDO:0013839, OMIM 614653.
Epidermolysis bullosa simplex 3, localized or generalized intermediate, with BP230 deficiency (EBS3). Also called: Epidermolysis bullosa simplex, autosomal recessive 2; Epidermolysis bullosa simplex due to BP230 deficiency. Identifiers: Orphanet 412181, MedGen C3809470, MONDO:0014180, OMIM 615425.

Allele frequency attached by ClinVar (database versions not stated): gnomAD exomes below 0.00001 and 0.00001; gnomAD 0.00001; TOPMed 0.00001.
gnomAD v4.1: 18 of 1,614,046 alleles (0.0011%); highest among the groups gnomAD compares: Non-Finnish European, 0.0013%; no homozygotes.

Submission:

Labcorp Genetics (formerly Invitae), Labcorp
Classification: Uncertain significance for Epidermolysis bullosa simplex 3, localized or generalized intermediate, with BP230 deficiency; Hereditary sensory and autonomic neuropathy type 6. Last evaluated: 2022-09-13. Review status: criteria provided, single submitter. Criteria: Invitae Variant Classification Sherloc (09022015). Collection method: clinical testing. Allele origin: germline.
Comment: This sequence change creates a premature translational stop signal (p.Gln2519*) in the DST gene. While this is not anticipated to result in nonsense mediated decay, it is expected to disrupt the last 131 amino acid(s) of the DST protein. This variant is present in population databases (no rsID available, gnomAD 0.004%). This variant has not been reported in the literature in individuals affected with DST-related conditions. ClinVar contains an entry for this variant (Variation ID: 541469). Experimental studies and prediction algorithms are not available or were not evaluated, and the functional significance of this variant is currently unknown. In summary, the available evidence is currently insufficient to determine the role of this variant in disease. Therefore, it has been classified as a Variant of Uncertain Significance.

NM_001723.7(DST):c.7555C>T (p.Gln2519Ter)

Gene: DST (dystonin; minus strand). Cytogenetic location: 6p12.1.
Variant type: single nucleotide variant.
Coding change: c.7555C>T on transcript NM_001723.7 (MANE Plus Clinical); coding-DNA position 7555, C replaced by T.
Protein change: p.Gln2519Ter; replaces glutamine 2519 with a stop codon.
Molecular consequence: nonsense. On other transcripts: intron variant (10).
Genome position (GRCh38, 1-based): chr6:56,615,912, G>A on the plus strand (C>T on the coding strand, the complement: DST is on the minus strand). VCF-style: chr6-56615912-G-A. GRCh37 (hg19) VCF-style: chr6-56480710-G-A.
Other names: c.4831-1428C>T (NM_001144769.5); c.4930-1428C>T (NM_001374722.1, NM_001374736.1); c.4957-1428C>T (NM_001374734.1); c.4417-1428C>T (NM_001144770.2); c.4297-1428C>T (NM_001374730.1, NM_001386100.1, NM_183380.4 and 1 more transcripts); c.3319-1428C>T (NM_015548.5); short protein forms Q2519*.
Identifiers: ClinVar variation 541469 (VCV000541469.4), dbSNP rs1388446619, ClinGen allele CA364562755.